The following is an entry in ClinVar:

ClinVar aggregate classification (germline): Uncertain significance (1 of 4 stars; one submission).

Conditions:
Hereditary nonpolyposis colorectal neoplasms. Identifiers: MedGen C0009405, MeSH D003123.

Submission:

Labcorp Genetics (formerly Invitae), Labcorp
Classification: Uncertain significance for Hereditary nonpolyposis colorectal neoplasms. Last evaluated: 2022-07-04. Review status: criteria provided, single submitter. Criteria: Invitae Variant Classification Sherloc (09022015). Collection method: clinical testing. Allele origin: germline.
Comment: In summary, the available evidence is currently insufficient to determine the role of this variant in disease. Therefore, it has been classified as a Variant of Uncertain Significance. Advanced modeling of protein sequence and biophysical properties (such as structural, functional, and spatial information, amino acid conservation, physicochemical variation, residue mobility, and thermodynamic stability) performed at Invitae indicates that this missense variant is not expected to disrupt MSH6 protein function. This variant has not been reported in the literature in individuals affected with MSH6-related conditions. This variant is not present in population databases (gnomAD no frequency). This sequence change replaces arginine, which is basic and polar, with serine, which is neutral and polar, at codon 338 of the MSH6 protein (p.Arg338Ser).

NM_000179.3(MSH6):c.1014A>C (p.Arg338Ser)

Gene: MSH6 (mutS homolog 6; plus strand). Cytogenetic location: 2p16.3.
Variant type: single nucleotide variant.
Coding change: c.1014A>C on transcript NM_000179.3 (MANE Select); coding-DNA position 1014, A replaced by C.
Protein change: p.Arg338Ser; replaces arginine 338 with serine.
Molecular consequence: missense variant.
Genome position (GRCh38, 1-based): chr2:47,798,997, A>C. VCF-style: chr2-47798997-A-C. GRCh37 (hg19) VCF-style: chr2-48026136-A-C.
Other names: c.624A>C, p.Arg208Ser (NM_001281492.2); c.108A>C, p.Arg36Ser (NM_001281493.2, NM_001281494.2, NM_001406812.1 and 6 more transcripts); c.1110A>C, p.Arg370Ser (NM_001406795.1, NM_001406802.1); c.1014A>C, p.Arg338Ser (NM_001406796.1, NM_001406798.1, NM_001406800.1 and 4 more transcripts); c.717A>C, p.Arg239Ser (NM_001406797.1, NM_001406818.1, NM_001406819.1 and 10 more transcripts); c.489A>C, p.Arg163Ser (NM_001406799.1, NM_001406806.1, NM_001406807.1); c.1020A>C, p.Arg340Ser (NM_001406813.1); c.846A>C, p.Arg282Ser (NM_001406826.1); and 1 more; short protein forms R163S, R208S, R239S, R282S, R36S, R370S, R338S, R340S.
Identifiers: ClinVar variation 2014157 (VCV002014157.4), dbSNP rs2104313533, ClinGen allele CA346741276.